The following is an entry in ClinVar:

NM_001100.4(ACTA1):c.434A>T (p.Tyr145Phe)

Gene: ACTA1 (actin alpha 1, skeletal muscle; minus strand). Cytogenetic location: 1q42.13.
Variant type: single nucleotide variant.
Coding change: c.434A>T on transcript NM_001100.4 (MANE Select); coding-DNA position 434, A replaced by T.
Protein change: p.Tyr145Phe; replaces tyrosine 145 with phenylalanine.
Molecular consequence: missense variant.
Genome position (GRCh38, 1-based): chr1:229,432,576, T>A on the plus strand (A>T on the coding strand, the complement: ACTA1 is on the minus strand). VCF-style: chr1-229432576-T-A. GRCh37 (hg19) VCF-style: chr1-229568323-T-A.
Other names: short protein forms Y145F.
Identifiers: ClinVar variation 2005485 (VCV002005485.4), dbSNP rs2527438858, ClinGen allele CA345149174.

ClinVar aggregate classification (germline): Uncertain significance (1 of 4 stars; one submission).

Conditions:
Actin accumulation myopathy (CMYO2A). Also called: Myopathy, actin, congenital, with cores; Nemaline myopathy 3, with intranuclear rods; CONGENITAL MYOPATHY 2A, TYPICAL, AUTOSOMAL DOMINANT; Nemaline myopathy type 3; Myopathy, actin, congenital, with excess of thin myofilaments. Identifiers: Orphanet 98904, MedGen C3711389, MONDO:0008070, OMIM 161800.

Submission:

Labcorp Genetics (formerly Invitae), Labcorp
Classification: Uncertain significance for Actin accumulation myopathy. Last evaluated: 2022-06-13. Review status: criteria provided, single submitter. Criteria: Invitae Variant Classification Sherloc (09022015). Collection method: clinical testing. Allele origin: germline.
Comment: In summary, the available evidence is currently insufficient to determine the role of this variant in disease. Therefore, it has been classified as a Variant of Uncertain Significance. Advanced modeling of protein sequence and biophysical properties (such as structural, functional, and spatial information, amino acid conservation, physicochemical variation, residue mobility, and thermodynamic stability) performed at Invitae indicates that this missense variant is expected to disrupt ACTA1 protein function. This missense change has been observed in individual(s) with autosomal dominant ACTA1-related conditions (Invitae). This variant is not present in population databases (gnomAD no frequency). This sequence change replaces tyrosine, which is neutral and polar, with phenylalanine, which is neutral and non-polar, at codon 145 of the ACTA1 protein (p.Tyr145Phe).